The following is an entry in ClinVar:

NM_032444.4(SLX4):c.1226A>G (p.Lys409Arg)

Gene: SLX4 (SLX4 structure-specific endonuclease subunit; minus strand). Cytogenetic location: 16p13.3.
Variant type: single nucleotide variant.
Coding change: c.1226A>G on transcript NM_032444.4 (MANE Select); coding-DNA position 1226, A replaced by G.
Protein change: p.Lys409Arg; replaces lysine 409 with arginine.
Molecular consequence: missense variant.
Genome position (GRCh38, 1-based): chr16:3,597,937, T>C on the plus strand (A>G on the coding strand, the complement: SLX4 is on the minus strand). VCF-style: chr16-3597937-T-C. GRCh37 (hg19) VCF-style: chr16-3647938-T-C.
Other names: short protein forms K409R.
Identifiers: ClinVar variation 1411382 (VCV001411382.8), dbSNP rs2151132042, ClinGen allele CA394529745.

ClinVar aggregate classification (germline): Uncertain significance (1 of 4 stars; one submission).

Conditions:
Fanconi anemia (FA). Also called: Fanconi's anemia. Identifiers: Orphanet 84, MedGen C0015625, MeSH D005199, MONDO:0019391.

Submission:

Labcorp Genetics (formerly Invitae), Labcorp
Classification: Uncertain significance for Fanconi anemia. Last evaluated: 2021-03-09. Review status: criteria provided, single submitter. Criteria: Invitae Variant Classification Sherloc (09022015). Collection method: clinical testing. Allele origin: germline.
Comment: This sequence change replaces lysine with arginine at codon 409 of the SLX4 protein (p.Lys409Arg). The lysine residue is weakly conserved and there is a small physicochemical difference between lysine and arginine. This variant is not present in population databases (ExAC no frequency). This variant has not been reported in the literature in individuals with SLX4-related conditions. Algorithms developed to predict the effect of missense changes on protein structure and function output the following: SIFT: "Tolerated"; PolyPhen-2: "Benign"; Align-GVGD: "Class C0". The arginine amino acid residue is found in multiple mammalian species, suggesting that this missense change does not adversely affect protein function. These predictions have not been confirmed by published functional studies and their clinical significance is uncertain. In summary, the available evidence is currently insufficient to determine the role of this variant in disease. Therefore, it has been classified as a Variant of Uncertain Significance.